The following is an entry in ClinVar:

NM_019066.5(MAGEL2):c.1245CATCCGCCCTGGCCCACCACC[1] (p.416IRPGPPP[1])

Gene: MAGEL2 (MAGE family member L2; minus strand). Cytogenetic location: 15q11.2.
Variant type: Microsatellite.
Coding change: c.1245CATCCGCCCTGGCCCACCACC[1] on transcript NM_019066.5 (MANE Select); one copy of the 21-base unit CATCCGCCCTGGCCCACCACC starting at c.1245; the reference has two copies in a row; one copy, 21 bases deleted; also written c.1266_1286del.
Protein change: p.416IRPGPPP[1].
Molecular consequence: inframe deletion.
Genome position (GRCh38, 1-based): chr15:23,646,457-23,646,477, GGTGGTGGGCCAGGGCGGATG deleted on the plus strand (CATCCGCCCTGGCCCACCACC on the coding strand, the reverse complement: MAGEL2 is on the minus strand); deleting any 21 consecutive bases within chr15:23,646,457-23,646,500 gives the same sequence; the position shown is the placement nearest the transcript's 3' end. VCF-style (leftmost placement, unchanged base first): chr15-23646456-CGGTGGTGGGCCAGGGCGGATG-C. GRCh37 (hg19) VCF-style: chr15-23891603-CGGTGGTGGGCCAGGGCGGATG-C.
Other names: c.1266_1286del (NM_019066.5).
Identifiers: ClinVar variation 2636075 (VCV002636075.7), dbSNP rs977592809, ClinGen allele CA267660563.

ClinVar aggregate classification (germline): Uncertain significance. Review status: criteria provided, multiple submitters, no conflicts (2 of 4 stars). 3 submissions from 3 submitters: Uncertain significance (2). 1 of the submissions does not count toward it. Last evaluated 2026-04-04.

Conditions:
Schaaf-Yang syndrome (SHFYNG). Also called: Arthrogryposis, distal, with hypopituitarism, intellectual disability, and facial anomalies; MAGEL2-related Prader-Willi-like syndrome. Identifiers: Orphanet 398069, MedGen C5575066, MONDO:0014243, OMIM 615547.
MAGEL2-related disorder. Also called: MAGEL2-related condition.

Submissions (3):

Dasa
Classification: Uncertain significance for Schaaf-Yang syndrome. Last evaluated: 2026-04-04. Review status: criteria provided, single submitter. Criteria: DASA Assertion Criteria. Collection method: clinical testing. Allele origin: germline.
Comment: NM_019066.5(MAGEL2):c.1266_1286del (p.Ile423_Pro429del) is an in-frame deletion predicted to remove amino acids from isoleucine at protein position 423 through proline at protein position 429 without shifting the reading frame. This variant is rare in population databases. The currently available literature and clinical evidence are not sufficient to establish a definitive association between this variant and the reported condition. Therefore, this variant is classified as a variant of uncertain significance.

Labcorp Genetics (formerly Invitae), Labcorp
Classification: Uncertain significance. Last evaluated: 2025-02-25. Review status: criteria provided, single submitter. Criteria: Invitae Variant Classification Sherloc (09022015). Collection method: clinical testing. Allele origin: germline.
Comment: This variant, c.1266_1286del, results in the deletion of 7 amino acid(s) of the MAGEL2 protein (p.Ile423_Pro429del), but otherwise preserves the integrity of the reading frame. This variant is present in population databases (no rsID available, gnomAD 0.01%). This variant has not been reported in the literature in individuals affected with MAGEL2-related conditions. Experimental studies and prediction algorithms are not available or were not evaluated, and the functional significance of this variant is currently unknown. In summary, the available evidence is currently insufficient to determine the role of this variant in disease. Therefore, it has been classified as a Variant of Uncertain Significance.

PreventionGenetics, part of Exact Sciences
Classification: Uncertain significance for MAGEL2-related condition. Last evaluated: 2024-03-28. Review status: no assertion criteria provided. Collection method: clinical testing. Allele origin: germline. Not counted in ClinVar's aggregate classification.
Comment: The MAGEL2 c.1266_1286del21 variant is predicted to result in an in-frame deletion (p.Ile423_Pro429del). To our knowledge, this variant has not been reported in the literature. This variant is reported in 0.012% of alleles in individuals of African descent in gnomAD. Although we suspect that this variant may be benign, at this time, the clinical significance of this variant is uncertain due to the absence of conclusive functional and genetic evidence.